The following is an entry in ClinVar:

NM_006767.4(LZTR1):c.2369G>A (p.Arg790Gln)

Gene: LZTR1 (leucine zipper like post translational regulator 1; plus strand). Cytogenetic location: 22q11.21.
Variant type: single nucleotide variant.
Coding change: c.2369G>A on transcript NM_006767.4 (MANE Select); coding-DNA position 2369, G replaced by A.
Protein change: p.Arg790Gln; replaces arginine 790 with glutamine.
Molecular consequence: missense variant.
Genome position (GRCh38, 1-based): chr22:20,996,929, G>A. VCF-style: chr22-20996929-G-A. GRCh37 (hg19) VCF-style: chr22-21351218-G-A.
Other names: short protein forms R790Q.
Identifiers: ClinVar variation 1052388 (VCV001052388.10), dbSNP rs555586109, ClinGen allele CA10119378.

ClinVar aggregate classification (germline): Uncertain significance. Review status: criteria provided, multiple submitters, no conflicts (2 of 4 stars). 4 submissions from 4 submitters: Uncertain significance (4). Last evaluated 2025-07-09.

Conditions:
LZTR1-related schwannomatosis. Also called: Schwannomatosis 2; Schwannomatosis-2, susceptibility to. Identifiers: Orphanet 93921, MedGen C3810283, MONDO:0014299, OMIM 615670.
Hereditary cancer-predisposing syndrome. Also called: Tumor predisposition; Hereditary neoplastic syndrome; Hereditary Cancer Syndrome; Neoplastic Syndromes, Hereditary. Identifiers: Orphanet 140162, MedGen C0027672, MeSH D009386, MONDO:0015356.
Cardiovascular phenotype. Identifiers: MedGen CN230736.

Allele frequency attached by ClinVar (database versions not stated): TOPMed below 0.00001.
gnomAD v4.1: 3 of 1,613,478 alleles (0.00019%); highest among the groups gnomAD compares: Non-Finnish European, 0.00025%; no homozygotes.

Submissions (4):

Labcorp Genetics (formerly Invitae), Labcorp
Classification: Uncertain significance. Last evaluated: 2025-07-09. Review status: criteria provided, single submitter. Criteria: Invitae Variant Classification Sherloc (09022015). Collection method: clinical testing. Allele origin: germline.
Comment: This sequence change replaces arginine, which is basic and polar, with glutamine, which is neutral and polar, at codon 790 of the LZTR1 protein (p.Arg790Gln). This variant is present in population databases (rs555586109, gnomAD 0.006%). This variant has not been reported in the literature in individuals affected with LZTR1-related conditions. ClinVar contains an entry for this variant (Variation ID: 1052388). Invitae Evidence Modeling of protein sequence and biophysical properties (such as structural, functional, and spatial information, amino acid conservation, physicochemical variation, residue mobility, and thermodynamic stability) indicates that this missense variant is not expected to disrupt LZTR1 protein function with a negative predictive value of 80%. In summary, the available evidence is currently insufficient to determine the role of this variant in disease. Therefore, it has been classified as a Variant of Uncertain Significance.

Ambry Genetics
Classification: Uncertain significance for Cardiovascular phenotype; Hereditary cancer-predisposing syndrome. Last evaluated: 2024-03-03. Review status: criteria provided, single submitter. Criteria: Ambry Variant Classification Scheme 2023. Collection method: clinical testing. Allele origin: germline.
Comment: The p.R790Q variant (also known as c.2369G>A), located in coding exon 20 of the LZTR1 gene, results from a G to A substitution at nucleotide position 2369. The arginine at codon 790 is replaced by glutamine, an amino acid with highly similar properties. This amino acid position is not well conserved in available vertebrate species. In addition, this alteration is predicted to be tolerated by in silico analysis. Since supporting evidence is limited at this time, the clinical significance of this alteration remains unclear.

Baylor Genetics
Classification: Uncertain significance for LZTR1-related schwannomatosis. Last evaluated: 2023-12-19. Review status: criteria provided, single submitter. Criteria: ACMG Guidelines, 2015. Collection method: clinical testing. Allele origin: unknown.

GeneDx
Classification: Uncertain significance. Last evaluated: 2022-02-22. Review status: criteria provided, single submitter. Criteria: GeneDx Variant Classification Process June 2021. Collection method: clinical testing. Allele origin: germline. Affected: yes.
Comment: Not observed at significant frequency in large population cohorts (gnomAD); In silico analysis supports that this missense variant does not alter protein structure/function; Has not been previously published as pathogenic or benign to our knowledge